The following is an entry in ClinVar:

NM_152564.5(VPS13B):c.276del (p.Lys93fs)

Gene: VPS13B (vacuolar protein sorting 13 homolog B; plus strand). Cytogenetic location: 8q22.2.
Variant type: Deletion.
Coding change: c.276del on transcript NM_152564.5 (MANE Select); coding-DNA position 276, one base deleted (T; older notation c.276delT).
Protein change: p.Lys93fs; shifts the reading frame from lysine 93.
Molecular consequence: frameshift variant. On other transcripts: non-coding transcript variant (1).
Genome position (GRCh38, 1-based): chr8:99,038,551, T deleted; the last of 2 consecutive T bases (chr8:99,038,550-99,038,551); deleting either gives the same sequence. VCF-style (leftmost placement, unchanged base first): chr8-99038549-CT-C. GRCh37 (hg19) VCF-style: chr8-100050777-CT-C.
Other names: c.276del, p.Lys93fs (NM_015243.3, NM_017890.5, NM_181661.3); short protein forms K93fs.
Identifiers: ClinVar variation 3018116 (VCV003018116.3), dbSNP rs1185329868, ClinGen allele CA857528626.
Genomic context (GRCh38, chr8:99,038,549, plus strand): 5'-ACAAAACTGGGTTCAGAACCAGTGGTAATTACCATCAATACTATGGAATGCATTTTGAAA[CT>C]TAAGGATGGGATACAGGTAAGAAATTATTGAACCAAGTTGTTTATGTTAACTAATTTTAG-3'

ClinVar aggregate classification (germline): Pathogenic (1 of 4 stars; one submission).

Conditions:
Cohen syndrome (COH1). Also called: Cutis verticis gyrata, retinitis pigmentosa, and sensorineural deafness; PEPPER SYNDROME. Identifiers: Orphanet 193, MedGen C0265223, MONDO:0008999, OMIM 216550.

Submission:

Labcorp Genetics (formerly Invitae), Labcorp
Classification: Pathogenic for Cohen syndrome. Last evaluated: 2024-03-01. Review status: criteria provided, single submitter. Criteria: Invitae Variant Classification Sherloc (09022015). Collection method: clinical testing. Allele origin: germline.
Comment: This sequence change creates a premature translational stop signal (p.Lys93Argfs*51) in the VPS13B gene. It is expected to result in an absent or disrupted protein product. Loss-of-function variants in VPS13B are known to be pathogenic (PMID: 15141358, 16648375, 20461111). This variant is not present in population databases (gnomAD no frequency). This variant has not been reported in the literature in individuals affected with VPS13B-related conditions. For these reasons, this variant has been classified as Pathogenic.

Literature cited by the submitters: PubMed 15141358; PubMed 16648375; PubMed 20461111.